The following is an entry in ClinVar:

ClinVar aggregate classification (germline): Conflicting classifications of pathogenicity. Review status: criteria provided, conflicting classifications (1 of 4 stars). 2 submissions from 2 submitters: Likely pathogenic (1); Uncertain significance (1). Last evaluated 2026-05-05.

Conditions:
Primary ciliary dyskinesia. Also called: Ciliary dyskinesia. Identifiers: Orphanet 244, MedGen C0008780, MONDO:0016575, HP:0012265.
Primary ciliary dyskinesia 3. Identifiers: Orphanet 244, MedGen C1837618, MONDO:0012085, OMIM 608644.

Submissions (2):

Myriad Genetics, Inc.
Classification: Uncertain significance for Primary ciliary dyskinesia 3. Last evaluated: 2026-05-05. Review status: criteria provided, single submitter. Criteria: Myriad Autosomal Dominant, Autosomal Recessive and X-Linked Classification Criteria (2023). Collection method: clinical testing. Allele origin: unknown.
Comment: NM_001369.2(DNAH5):c.8010+2T>C is a variant in a canonical splice site classified as a variant of uncertain significance in the context of primary ciliary dyskinesia, DNAH5-related. c.8010+2T>C has not been observed in cases with relevant disease. Relevant functional assessments of this variant are not available in the literature. c.8010+2T>C has not been observed in referenced population frequency databases. In summary, there is insufficient evidence to classify NM_001369.2(DNAH5):c.8010+2T>C as pathogenic or benign. Please note: this variant was assessed in the context of healthy population screening.

Labcorp Genetics (formerly Invitae), Labcorp
Classification: Likely pathogenic for Primary ciliary dyskinesia. Last evaluated: 2023-11-14. Review status: criteria provided, single submitter. Criteria: Invitae Variant Classification Sherloc (09022015). Collection method: clinical testing. Allele origin: germline.
Comment: This sequence change affects a donor splice site in intron 48 of the DNAH5 gene. It is expected to disrupt RNA splicing. Variants that disrupt the donor or acceptor splice site typically lead to a loss of protein function (PMID: 16199547), and loss-of-function variants in DNAH5 are known to be pathogenic (PMID: 11788826, 16627867). This variant is not present in population databases (gnomAD no frequency). This variant has not been reported in the literature in individuals affected with DNAH5-related conditions. Algorithms developed to predict the effect of sequence changes on RNA splicing suggest that this variant may disrupt the consensus splice site. In summary, the currently available evidence indicates that the variant is pathogenic, but additional data are needed to prove that conclusively. Therefore, this variant has been classified as Likely Pathogenic.

Literature cited by the submitters: PubMed 16199547 (cited by Labcorp Genetics (formerly Invitae), Labcorp); PubMed 11788826 (cited by Labcorp Genetics (formerly Invitae), Labcorp); PubMed 16627867 (cited by Labcorp Genetics (formerly Invitae), Labcorp).

NM_001369.3(DNAH5):c.8010+2T>C

Gene: DNAH5 (dynein axonemal heavy chain 5; minus strand). Cytogenetic location: 5p15.2.
Variant type: single nucleotide variant.
Coding change: c.8010+2T>C on transcript NM_001369.3 (MANE Select); the canonical splice donor site of the intron after coding-DNA position 8010, T replaced by C.
Molecular consequence: splice donor variant.
Genome position (GRCh38, 1-based): chr5:13,793,934, A>G on the plus strand (T>C on the coding strand, the complement: DNAH5 is on the minus strand). VCF-style: chr5-13793934-A-G. GRCh37 (hg19) VCF-style: chr5-13794043-A-G.
Identifiers: ClinVar variation 2695780 (VCV002695780.4), dbSNP rs2546745451, ClinGen allele CA359221739.
Genomic context (GRCh38, chr5:13,793,934, plus strand): 5'-CTCTTCTAAGAATAAATCAATACCAAATTAAAGAAATAAAATGCACAATAGAATGATGAT[A>G]CCTGATCTCCCCACTCATTGATTATTGGCATATTCACATCATCAATAAAAACAGTCATCT-3'